The following is an entry in ClinVar:

NM_003742.4(ABCB11):c.3579del (p.Lys1193fs)

Gene: ABCB11 (ATP binding cassette subfamily B member 11; minus strand). Cytogenetic location: 2q31.1.
Variant type: Deletion.
Coding change: c.3579del on transcript NM_003742.4 (MANE Select); coding-DNA position 3579, one base deleted (A; older notation c.3579delA).
Protein change: p.Lys1193fs; shifts the reading frame from lysine 1193.
Molecular consequence: frameshift variant.
Genome position (GRCh38, 1-based): chr2:168,927,195, T deleted on the plus strand (A on the coding strand, the reverse complement: ABCB11 is on the minus strand); the first of 4 consecutive T bases (chr2:168,927,195-168,927,198); deleting any one gives the same sequence. VCF-style (leftmost placement, unchanged base first): chr2-168927194-GT-G. GRCh37 (hg19) VCF-style: chr2-169783704-GT-G.
Other names: short protein forms K1193fs.
Identifiers: ClinVar variation 4068159 (VCV004068159.2).

ClinVar aggregate classification (germline): Likely pathogenic (1 of 4 stars; one submission).

Conditions:
Progressive familial intrahepatic cholestasis type 2. Identifiers: Orphanet 79304, MedGen C3489789, MONDO:0011156, OMIM 601847.

Submission:

Natera, Inc.
Classification: Likely pathogenic for Progressive familial intrahepatic cholestasis type 2. Last evaluated: 2025-01-13. Review status: criteria provided, single submitter. Criteria: Natera Variant Classification Schema (03/2026). Collection method: clinical testing. Allele origin: germline.
Comment: The c.3579del variant in ABCB11 is a frameshift variant predicted to shift the reading frame beginning at codon 1193 and leads to a stop codon 50 codons downstream. This variant is expected to result in nonsense mediated decay, truncation, or a dysfunctional protein product. This variant is rare in the general population with a frequency below the threshold expected for the associated phenotype(s). Given the available evidence, this variant is classified as Likely Pathogenic.